The following is an entry in ClinVar:

NM_000334.4(SCN4A):c.5254T>C (p.Tyr1752His)

Genes: GH-LCR (growth hormone locus control region; plus strand), SCN4A (sodium voltage-gated channel alpha subunit 4; minus strand). Cytogenetic location: 17q23.3.
Variant type: single nucleotide variant.
Coding change: c.5254T>C on transcript NM_000334.4 (MANE Select); coding-DNA position 5254, T replaced by C.
Protein change: p.Tyr1752His; replaces tyrosine 1752 with histidine.
Molecular consequence: missense variant.
Genome position (GRCh38, 1-based): chr17:63,941,028, A>G on the plus strand (T>C on the coding strand, the complement: SCN4A is on the minus strand). VCF-style: chr17-63941028-A-G. GRCh37 (hg19) VCF-style: chr17-62018388-A-G.
Other names: short protein forms Y1752H.
Identifiers: ClinVar variation 1995234 (VCV001995234.4), dbSNP rs2509283069, ClinGen allele CA400613199.
Genomic context (GRCh38, chr17:63,941,028, plus strand): 5'-GCAGCCCCTCCTTCTCAGGGGCGTCATCCCCGCTGCCGTCGTGGCTGTGGCGGTACATGT[A>G]GGATGCCTGCTTCATGGAGCGCTGTAGCAGGTGCCGGCGGTAGGCCCTCTGGATCTTGAT-3'
Protein context (NP_000325.4, residues 1742-1762): LLQRSMKQAS[Tyr1752His]MYRHSHDGSG

ClinVar aggregate classification (germline): Uncertain significance (1 of 4 stars; one submission).

Conditions:
Hyperkalemic periodic paralysis. Also called: Familial hyperkalemic periodic paralysis; Gamstorp disease. Identifiers: Orphanet 682, MedGen C0238357, MONDO:0008224, OMIM 170500, HP:0007215.

Submission:

Labcorp Genetics (formerly Invitae), Labcorp
Classification: Uncertain significance for Hyperkalemic periodic paralysis. Last evaluated: 2022-10-12. Review status: criteria provided, single submitter. Criteria: Invitae Variant Classification Sherloc (09022015). Collection method: clinical testing. Allele origin: germline.
Comment: This sequence change replaces tyrosine, which is neutral and polar, with histidine, which is basic and polar, at codon 1752 of the SCN4A protein (p.Tyr1752His). This variant is not present in population databases (gnomAD no frequency). This variant has not been reported in the literature in individuals affected with SCN4A-related conditions. Advanced modeling of protein sequence and biophysical properties (such as structural, functional, and spatial information, amino acid conservation, physicochemical variation, residue mobility, and thermodynamic stability) performed at Invitae indicates that this missense variant is not expected to disrupt SCN4A protein function. In summary, the available evidence is currently insufficient to determine the role of this variant in disease. Therefore, it has been classified as a Variant of Uncertain Significance.